The following is an entry in ClinVar:

NM_000051.4(ATM):c.5912A>T (p.Glu1971Val)

Genes: ATM (ATM serine/threonine kinase; plus strand), C11orf65 (chromosome 11 open reading frame 65; minus strand). Cytogenetic location: 11q22.3.
Variant type: single nucleotide variant.
Coding change: c.5912A>T on transcript NM_000051.4 (MANE Select); coding-DNA position 5912, A replaced by T.
Protein change: p.Glu1971Val; replaces glutamic acid 1971 with valine.
Molecular consequence: missense variant. On other transcripts: intron variant (2).
Genome position (GRCh38, 1-based): chr11:108,310,309, A>T. VCF-style: chr11-108310309-A-T. GRCh37 (hg19) VCF-style: chr11-108181036-A-T.
Other names: c.5912A>T, p.Glu1971Val (NM_001351834.2); c.641-1238T>A (NM_001330368.2); c.*39-1238T>A (NM_001351110.2); short protein forms E1971V.
Identifiers: ClinVar variation 572321 (VCV000572321.10), dbSNP rs1565490253, ClinGen allele CA382548601.
Genomic context (GRCh38, chr11:108,310,309, plus strand): 5'-ACTTTACAGCTTTACTCTATGCAGAAATCTATGCAGATAAGAAAAGTATGGATGATCAAG[A>T]GAAAAGGTAATGGAATTTAGAATTTTTGGTTTTTAAAATTAATGTTGGCATTGTCTCAAT-3'
Protein context (NP_000042.3, residues 1961-1981): YADKKSMDDQ[Glu1971Val]KRSLAFEEGS

ClinVar aggregate classification (germline): Uncertain significance. Review status: criteria provided, multiple submitters, no conflicts (2 of 4 stars). 2 submissions from 2 submitters: Uncertain significance (2). Last evaluated 2023-06-14.

Conditions:
Ataxia-telangiectasia syndrome (AT). Also called: Cerebello-oculocutaneous telangiectasia; Immunodeficiency with ataxia telangiectasia; Ataxia-telangiectasia, complementation group E; Ataxia-telangiectasia, complementation group D; AT, COMPLEMENTATION GROUP C; ATAXIA-TELANGIECTASIA, COMPLEMENTATION GROUP A. Identifiers: Orphanet 100, MedGen C0004135, MONDO:0008840, OMIM 208900.

Submissions (2):

GeneDx
Classification: Uncertain significance. Last evaluated: 2023-06-14. Review status: criteria provided, single submitter. Criteria: GeneDx Variant Classification Process June 2021. Collection method: clinical testing. Allele origin: germline. Affected: yes.
Comment: Not observed at significant frequency in large population cohorts (gnomAD); In silico analysis supports that this missense variant does not alter protein structure/function; Has not been previously published as pathogenic or benign to our knowledge; This variant is associated with the following publications: (PMID: 23532176)

Labcorp Genetics (formerly Invitae), Labcorp
Classification: Uncertain significance for Ataxia-telangiectasia syndrome. Last evaluated: 2018-05-30. Review status: criteria provided, single submitter. Criteria: Invitae Variant Classification Sherloc (09022015). Collection method: clinical testing. Allele origin: germline.
Comment: This sequence change replaces glutamic acid with valine at codon 1971 of the ATM protein (p.Glu1971Val). The glutamic acid residue is weakly conserved and there is a moderate physicochemical difference between glutamic acid and valine. This variant is not present in population databases (ExAC no frequency). This variant has not been reported in the literature in individuals with ATM-related disease. Algorithms developed to predict the effect of missense changes on protein structure and function are either unavailable or do not agree on the potential impact of this missense change (SIFT: "Tolerated"; PolyPhen-2: "Possibly Damaging"; Align-GVGD: "Class C0"). In summary, the available evidence is currently insufficient to determine the role of this variant in disease. Therefore, it has been classified as a Variant of Uncertain Significance.